The following is an entry in ClinVar:

ClinVar aggregate classification (germline): Uncertain significance (1 of 4 stars; one submission).

Submission:

Labcorp Genetics (formerly Invitae), Labcorp
Classification: Uncertain significance. Last evaluated: 2023-01-15. Review status: criteria provided, single submitter. Criteria: Invitae Variant Classification Sherloc (09022015). Collection method: clinical testing. Allele origin: germline.
Comment: ClinVar contains an entry for this variant (Variation ID: 1471521). This missense change has been observed in individual(s) with maturity-onset diabetes of the young (Invitae). This variant is not present in population databases (gnomAD no frequency). This sequence change replaces proline, which is neutral and non-polar, with alanine, which is neutral and non-polar, at codon 224 of the HNF1A protein (p.Pro224Ala). Advanced modeling of protein sequence and biophysical properties (such as structural, functional, and spatial information, amino acid conservation, physicochemical variation, residue mobility, and thermodynamic stability) has been performed at Invitae for this missense variant, however the output from this modeling did not meet the statistical confidence thresholds required to predict the impact of this variant on HNF1A protein function. In summary, the available evidence is currently insufficient to determine the role of this variant in disease. Therefore, it has been classified as a Variant of Uncertain Significance. This variant disrupts the p.Pro224 amino acid residue in HNF1A. Other variant(s) that disrupt this residue have been observed in individuals with HNF1A-related conditions (PMID: 15031772), which suggests that this may be a clinically significant amino acid residue.

Literature cited by the submitters: PubMed 15031772.

NM_000545.8(HNF1A):c.670C>G (p.Pro224Ala)

Gene: HNF1A (HNF1 homeobox A; plus strand). Cytogenetic location: 12q24.31.
Variant type: single nucleotide variant.
Coding change: c.670C>G on transcript NM_000545.8 (MANE Select); coding-DNA position 670, C replaced by G.
Protein change: p.Pro224Ala; replaces proline 224 with alanine.
Molecular consequence: missense variant.
Genome position (GRCh38, 1-based): chr12:120,993,663, C>G. VCF-style: chr12-120993663-C-G. GRCh37 (hg19) VCF-style: chr12-121431466-C-G.
Other names: c.670C>G, p.Pro224Ala (NM_001306179.2); short protein forms P224A.
Identifiers: ClinVar variation 1471521 (VCV001471521.8), dbSNP rs193922600, ClinGen allele CA386964956.